The following is an entry in ClinVar:

ClinVar aggregate classification (germline): Conflicting classifications of pathogenicity. Review status: criteria provided, conflicting classifications (1 of 4 stars). 22 submissions from 21 submitters: Uncertain significance (1); Benign (11); Likely benign (4). 6 of the submissions do not count toward it. Last evaluated 2026-06-01.

Conditions:
Cardiomyopathy (CMYO). Also called: Cardiomyopathies. Identifiers: Orphanet 167848, MedGen C0878544, MONDO:0004994, HP:0001638. Inheritance: Various modes of inheritance.
Hypertrophic cardiomyopathy. Also called: HYPERTROPHIC MYOCARDIOPATHY. Identifiers: Orphanet 217569, MedGen C0007194, MeSH D002312, MONDO:0005045, HP:0001639.
Cardiovascular phenotype. Identifiers: MedGen CN230736.
Naxos disease (NXD). Also called: CARDIOMYOPATHY, ARRHYTHMOGENIC RIGHT VENTRICULAR, WITH SKIN, HAIR, AND NAIL ABNORMALITIES; KERATOSIS PALMOPLANTARIS WITH ARRHYTHMOGENIC CARDIOMYOPATHY; MAL DE NAXOS; PALMOPLANTAR KERATODERMA WITH ARRHYTHMOGENIC RIGHT VENTRICULAR CARDIOMYOPATHY AND WOOLLY HAIR; WOOLLY HAIR, PALMOPLANTAR KERATODERMA, AND CARDIAC ABNORMALITIES. Identifiers: Orphanet 34217, MedGen C1832600, MONDO:0011017, OMIM 601214.
Arrhythmogenic right ventricular dysplasia 12. Also called: ARRHYTHMOGENIC RIGHT VENTRICULAR DYSPLASIA, FAMILIAL, 12. Identifiers: MedGen C1969081, MONDO:0012684, OMIM 611528.

Allele frequency attached by ClinVar (database versions not stated): 1000 Genomes Project 30x 0.00234; 1000 Genomes Project 0.00260; TOPMed 0.00629; ESP Exome Variant Server 0.00677; gnomAD exomes 0.00719 and 0.01102; gnomAD 0.00735 and 0.00760; ExAC 0.00743.
gnomAD v4.1: 17,103 of 1,614,148 alleles (1.1%); highest among the groups gnomAD compares: Non-Finnish European, 1.3%; 113 homozygotes.

Submissions (22):

CeGaT Center for Human Genetics Tuebingen
Classification: Benign. Last evaluated: 2026-06-01. Review status: criteria provided, single submitter. Criteria: CeGaT Center For Human Genetics Tuebingen Variant Classification Criteria Version 2. Collection method: clinical testing. Allele origin: germline. Affected: yes. Observed: 11 variant alleles.
Comment: JUP: BS1, BS2

Labcorp Genetics (formerly Invitae), Labcorp
Classification: Benign for Arrhythmogenic right ventricular dysplasia 12; Naxos disease. Last evaluated: 2026-02-03. Review status: criteria provided, single submitter. Criteria: Invitae Variant Classification Sherloc (09022015). Collection method: clinical testing. Allele origin: germline.

ARUP Laboratories, Molecular Genetics and Genomics, ARUP Laboratories
Classification: Benign. Last evaluated: 2025-02-25. Review status: criteria provided, single submitter. Criteria: ARUP Molecular Germline Variant Investigation Process 2024. Collection method: clinical testing. Allele origin: germline.

Mayo Clinic Laboratories, Mayo Clinic
Classification: Benign. Last evaluated: 2025-01-02. Review status: criteria provided, single submitter. Criteria: ACMG Guidelines, 2015. Collection method: clinical testing. Allele origin: germline. Observed: 29 variant alleles.
Comment: BS1, BS2, BP4_moderate

Blueprint Genetics
Classification: Likely benign. Last evaluated: 2024-11-25. Review status: criteria provided, single submitter. Criteria: ACMG Guidelines, 2015. Collection method: clinical testing. Allele origin: germline.

CHEO Genetics Diagnostic Laboratory, Children's Hospital of Eastern Ontario
Classification: Benign for Cardiomyopathy. Last evaluated: 2018-11-12. Review status: criteria provided, single submitter. Criteria: ACMG Guidelines, 2015. Collection method: clinical testing. Allele origin: germline.

Center for Advanced Laboratory Medicine, UC San Diego Health, University of California San Diego
Classification: Benign for Cardiomyopathy; Hypertrophic cardiomyopathy. Last evaluated: 2018-03-22. Review status: criteria provided, single submitter. Criteria: ACMG Guidelines, 2015. Collection method: clinical testing. Allele origin: germline. Affected: yes. Observed: 4 variant alleles.

Illumina Laboratory Services, Illumina
Classification: Likely benign for Arrhythmogenic right ventricular dysplasia 12. Last evaluated: 2018-01-13. Review status: criteria provided, single submitter. Criteria: ICSL Variant Classification Criteria 13 December 2019. Collection method: clinical testing. Allele origin: germline.
Comment: This variant was observed in the ICSL laboratory as part of a predisposition screen in an ostensibly healthy population. It had not been previously curated by ICSL or reported in the Human Gene Mutation Database (HGMD: prior to June 1st, 2018), and was therefore a candidate for classification through an automated scoring system. Utilizing variant allele frequency, disease prevalence and penetrance estimates, and inheritance mode, an automated score was calculated to assess if this variant is too frequent to cause the disease. Based on the score and internal cut-off values, a variant classified as likely benign is not then subjected to further curation. The score for this variant resulted in a classification of likely benign for this disease.

Illumina Laboratory Services, Illumina
Classification: Uncertain significance for Naxos disease. Last evaluated: 2018-01-13. Review status: criteria provided, single submitter. Criteria: ICSL Variant Classification Criteria 13 December 2019. Collection method: clinical testing. Allele origin: germline.

Molecular Diagnostic Laboratory for Inherited Cardiovascular Disease, Montreal Heart Institute
Classification: Likely benign. Last evaluated: 2017-03-28. Review status: criteria provided, single submitter. Criteria: ACMG Guidelines, 2015. Collection method: clinical testing. Allele origin: germline. Affected: yes.

Center for Pediatric Genomic Medicine, Children's Mercy Hospital and Clinics
Classification: Likely benign. Last evaluated: 2017-03-17. Review status: criteria provided, single submitter. Criteria: ACMG Guidelines, 2015. Collection method: clinical testing. Allele origin: germline.

Ambry Genetics
Classification: Benign for Cardiovascular phenotype. Last evaluated: 2015-05-11. Review status: criteria provided, single submitter. Criteria: Ambry Variant Classification Scheme 2023. Collection method: clinical testing. Allele origin: germline.

GeneDx
Classification: Benign. Last evaluated: 2015-03-03. Review status: criteria provided, single submitter. Criteria: GeneDx Variant Classification Process June 2021. Collection method: clinical testing. Allele origin: germline. Affected: yes.
Comment: This variant is associated with the following publications: (PMID: 24704780)

Laboratory for Molecular Medicine, Mass General Brigham Personalized Medicine
Classification: Benign. Last evaluated: 2014-11-20. Review status: criteria provided, single submitter. Criteria: LMM Criteria. Collection method: clinical testing. Allele origin: germline. Observed: 42 variant alleles.
Comment: p.Val648Ile in exon 12 of JUP: This variant is not expected to have clinical sig nificance because it has been identified in 1.4% (98/6744) of European (Finnish) chromosomes and 1.1% (760/67702) of European (Non-Finnish) chromosomes by the E xome Aggregation Consortium (ExAC; dbSNP rs14304 3662).

Biesecker Lab/Clinical Genomics Section, National Institutes of Health
Classification: Benign. Last evaluated: 2013-06-24. Review status: criteria provided, single submitter. Criteria: Ng et al. (Circ Cardiovasc Genet. 2013). Collection method: research. Allele origin: unknown. Observed: 15 variant alleles. Study: ClinSeq.
Comment: The study set was not selected for affection status in relation to any cancer. Pathogenicity categories were based on literature curation. See Pubmed ID:23861362 for details.

Medical sequencing

PreventionGenetics, part of Exact Sciences
Classification: Benign. Review status: criteria provided, single submitter. Criteria: ACMG Guidelines, 2015. Collection method: clinical testing. Allele origin: germline.

Clinical Genetics DNA and cytogenetics Diagnostics Lab, Erasmus MC, Erasmus Medical Center
Classification: Benign. Review status: no assertion criteria provided. Collection method: clinical testing. Allele origin: germline. Affected: yes. Study: VKGL Data-share Consensus. Not counted in ClinVar's aggregate classification.

Clinical Genetics, Academic Medical Center
Classification: Benign. Review status: no assertion criteria provided. Collection method: clinical testing. Allele origin: germline. Affected: yes. Study: VKGL Data-share Consensus. Not counted in ClinVar's aggregate classification.

Diagnostic Laboratory, Department of Genetics, University Medical Center Groningen
Classification: Likely benign. Review status: no assertion criteria provided. Collection method: clinical testing. Allele origin: germline. Affected: yes. Study: VKGL Data-share Consensus. Not counted in ClinVar's aggregate classification.

Genome Diagnostics Laboratory, University Medical Center Utrecht
Classification: Benign. Review status: no assertion criteria provided. Collection method: clinical testing. Allele origin: germline. Affected: yes. Study: VKGL Data-share Consensus. Not counted in ClinVar's aggregate classification.

Joint Genome Diagnostic Labs from Nijmegen and Maastricht, Radboudumc and MUMC+
Classification: Benign. Review status: no assertion criteria provided. Collection method: clinical testing. Allele origin: germline. Affected: yes. Study: VKGL Data-share Consensus. Not counted in ClinVar's aggregate classification.

Laboratory of Diagnostic Genome Analysis, Leiden University Medical Center (LUMC)
Classification: Likely benign. Review status: no assertion criteria provided. Collection method: clinical testing. Allele origin: germline. Affected: yes. Study: VKGL Data-share Consensus. Not counted in ClinVar's aggregate classification.

Literature cited by the submitters: PubMed 24704780 (cited by Mayo Clinic Laboratories, Mayo Clinic); PubMed 33232181 (cited by Mayo Clinic Laboratories, Mayo Clinic).

NM_002230.4(JUP):c.1942G>A (p.Val648Ile)

Gene: JUP (junction plakoglobin; minus strand). Cytogenetic location: 17q21.2.
Variant type: single nucleotide variant.
Coding change: c.1942G>A on transcript NM_002230.4 (MANE Select); coding-DNA position 1942, G replaced by A.
Protein change: p.Val648Ile; replaces valine 648 with isoleucine.
Molecular consequence: missense variant.
Genome position (GRCh38, 1-based): chr17:41,757,519, C>T on the plus strand (G>A on the coding strand, the complement: JUP is on the minus strand). VCF-style: chr17-41757519-C-T. GRCh37 (hg19) VCF-style: chr17-39913771-C-T.
Other names: c.1942G>A, p.Val648Ile (NM_001352773.2, NM_001352774.2, NM_001352775.2 and 3 more transcripts); short protein forms V648I.
Identifiers: ClinVar variation 45842 (VCV000045842.75), dbSNP rs143043662, ClinGen allele CA137167.
Genomic context (GRCh38, chr17:41,757,519, plus strand): 5'-GCTCCACGGACACGCGCTTCCGGTAGTCTGGGTTCTTGTCCTCGGAGATGCGGAACAGGA[C>T]GGCAGCAGCGTAGGTGGCTGAGCAGAGAGGAAAGGAAAAGCCAGGTTAAACGTCGGCCAG-3'
Protein context (NP_002221.1, residues 638-658): NEGTATYAAA[Val648Ile]LFRISEDKNP